The following is an entry in ClinVar:

NM_002474.3(MYH11):c.366C>T (p.Cys122=)

Gene: MYH11 (myosin heavy chain 11; minus strand). Cytogenetic location: 16p13.11.
Variant type: single nucleotide variant.
Coding change: c.366C>T on transcript NM_002474.3 (MANE Select); coding-DNA position 366, C replaced by T.
Protein change: p.Cys122=; no amino-acid change (cysteine 122 retained).
Molecular consequence: synonymous variant.
Genome position (GRCh38, 1-based): chr16:15,823,391, G>A on the plus strand (C>T on the coding strand, the complement: MYH11 is on the minus strand). VCF-style: chr16-15823391-G-A. GRCh37 (hg19) VCF-style: chr16-15917248-G-A.
Other names: c.366C>T, p.Cys122= (NM_001040113.2, NM_001040114.2, NM_022844.3); c.366C>T (NM_002474.2).
Identifiers: ClinVar variation 920411 (VCV000920411.12), dbSNP rs372775942, ClinGen allele CA7923060.

ClinVar aggregate classification (germline): Likely benign. Review status: criteria provided, multiple submitters, no conflicts (2 of 4 stars). 4 submissions from 4 submitters: Likely benign (4). Last evaluated 2025-12-13.

Conditions:
Familial thoracic aortic aneurysm and aortic dissection (TAAD). Also called: Thoracic aortic aneurysms and dissections. Identifiers: Orphanet 91387, MedGen C4707243, MONDO:0019625.
Aortic aneurysm, familial thoracic 4 (AAT4). Also called: AORTIC ANEURYSM/AORTIC DISSECTION AND PATENT DUCTUS ARTERIOSUS. Identifiers: MedGen C1851504, MONDO:0007568, OMIM 132900.

Allele frequency attached by ClinVar (database versions not stated): gnomAD 0.00001; gnomAD exomes 0.00001 and 0.00002; TOPMed 0.00001; ExAC 0.00003; ESP Exome Variant Server 0.00008.
gnomAD v4.1: 15 of 1,614,026 alleles (0.00093%); highest among the groups gnomAD compares: African/African-American, 0.004%; no homozygotes.

Submissions (4):

Labcorp Genetics (formerly Invitae), Labcorp
Classification: Likely benign for Aortic aneurysm, familial thoracic 4. Last evaluated: 2025-12-13. Review status: criteria provided, single submitter. Criteria: Invitae Variant Classification Sherloc (09022015). Collection method: clinical testing. Allele origin: germline.

All of Us Research Program, National Institutes of Health
Classification: Likely benign for Familial thoracic aortic aneurysm and aortic dissection. Last evaluated: 2023-12-13. Review status: criteria provided, single submitter. Criteria: ACMG Guidelines, 2015. Collection method: clinical testing. Allele origin: germline. Inheritance: Autosomal dominant inheritance. Observed: 1 variant allele, 1 heterozygote.
Comment: This study involves interpretation of variants in research participants for the purpose of population health screening. Participant phenotype was not available at the time of variant classification. Additional details can be found in publication PMID: 35346344, PMCID: PMC8962531

Ambry Genetics
Classification: Likely benign for Familial thoracic aortic aneurysm and aortic dissection. Last evaluated: 2023-09-11. Review status: criteria provided, single submitter. Criteria: Ambry Variant Classification Scheme 2023. Collection method: clinical testing. Allele origin: germline.

Color Diagnostics, LLC DBA Color Health
Classification: Likely benign for Familial thoracic aortic aneurysm and aortic dissection. Last evaluated: 2018-12-16. Review status: criteria provided, single submitter. Criteria: ACMG Guidelines, 2015. Collection method: clinical testing. Allele origin: germline.